The following is an entry in ClinVar:

NM_014000.3(VCL):c.2866A>G (p.Met956Val)

Gene: VCL (vinculin; plus strand). Cytogenetic location: 10q22.2.
Variant type: single nucleotide variant.
Coding change: c.2866A>G on transcript NM_014000.3 (MANE Select); coding-DNA position 2866, A replaced by G.
Protein change: p.Met956Val; replaces methionine 956 with valine.
Molecular consequence: missense variant. On other transcripts: intron variant (1).
Genome position (GRCh38, 1-based): chr10:74,112,029, A>G. VCF-style: chr10-74112029-A-G. GRCh37 (hg19) VCF-style: chr10-75871787-A-G.
Other names: c.2746-2155A>G (NM_003373.4); short protein forms M956V.
Identifiers: ClinVar variation 408953 (VCV000408953.11), dbSNP rs761830073, ClinGen allele CA16612943.

ClinVar aggregate classification (germline): Uncertain significance. Review status: criteria provided, multiple submitters, no conflicts (2 of 4 stars). 3 submissions from 3 submitters: Uncertain significance (3). Last evaluated 2025-09-10.

Conditions:
Cardiovascular phenotype. Identifiers: MedGen CN230736.
Dilated cardiomyopathy 1W (CMD1W). Identifiers: Orphanet 154, MedGen C1969639, MONDO:0012667, OMIM 611407.
Hypertrophic cardiomyopathy 15. Identifiers: MedGen C2750459, MONDO:0013200, OMIM 613255.

gnomAD v4.1: 37 of 1,614,184 alleles (0.0023%); highest among the groups gnomAD compares: Non-Finnish European, 0.0028%; no homozygotes.

Submissions (3):

Labcorp Genetics (formerly Invitae), Labcorp
Classification: Uncertain significance for Dilated cardiomyopathy 1W. Last evaluated: 2025-09-10. Review status: criteria provided, single submitter. Criteria: Invitae Variant Classification Sherloc (09022015). Collection method: clinical testing. Allele origin: germline.
Comment: This sequence change replaces methionine, which is neutral and non-polar, with valine, which is neutral and non-polar, at codon 956 of the VCL protein (p.Met956Val). This variant is present in population databases (no rsID available, gnomAD 0.0009%). This variant has not been reported in the literature in individuals affected with VCL-related conditions. ClinVar contains an entry for this variant (Variation ID: 408953). An algorithm developed to predict the effect of missense changes on protein structure and function outputs the following: PolyPhen-2: "Benign". The valine amino acid residue is found in multiple mammalian species, which suggests that this missense change does not adversely affect protein function. In summary, the available evidence is currently insufficient to determine the role of this variant in disease. Therefore, it has been classified as a Variant of Uncertain Significance.

Ambry Genetics
Classification: Uncertain significance for Cardiovascular phenotype. Last evaluated: 2024-01-27. Review status: criteria provided, single submitter. Criteria: Ambry Variant Classification Scheme 2023. Collection method: clinical testing. Allele origin: germline.
Comment: The p.M956V variant (also known as c.2866A>G), located in coding exon 19 of the VCL gene, results from an A to G substitution at nucleotide position 2866. The methionine at codon 956 is replaced by valine, an amino acid with highly similar properties. This amino acid position is conserved. In addition, this alteration is predicted to be tolerated by in silico analysis. Since supporting evidence is limited at this time, the clinical significance of this alteration remains unclear.

Fulgent Genetics
Classification: Uncertain significance for Dilated cardiomyopathy 1W; Hypertrophic cardiomyopathy 15. Last evaluated: 2021-11-12. Review status: criteria provided, single submitter. Criteria: ACMG Guidelines, 2015. Collection method: clinical testing. Allele origin: unknown.